The following is an entry in ClinVar:

ClinVar aggregate classification (germline): Uncertain significance. Review status: criteria provided, multiple submitters, no conflicts (2 of 4 stars). 2 submissions from 2 submitters: Uncertain significance (2). Last evaluated 2025-05-19.

Conditions:
Inborn genetic diseases. Identifiers: MedGen C0950123, MeSH D030342.
Werner syndrome (WRN). Identifiers: Orphanet 902, MedGen C0043119, MONDO:0010196, OMIM 277700.

Allele frequency attached by ClinVar (database versions not stated): gnomAD exomes below 0.00001 and 0.00002; gnomAD 0.00001; ExAC 0.00002; TOPMed 0.00002.
gnomAD v4.1: 11 of 1,613,760 alleles (0.00068%); highest among the groups gnomAD compares: East Asian, 0.016%; no homozygotes.

Submissions (2):

Labcorp Genetics (formerly Invitae), Labcorp
Classification: Uncertain significance for Werner syndrome. Last evaluated: 2025-05-19. Review status: criteria provided, single submitter. Criteria: Invitae Variant Classification Sherloc (09022015). Collection method: clinical testing. Allele origin: germline.
Comment: This sequence change replaces glutamic acid, which is acidic and polar, with glutamine, which is neutral and polar, at codon 207 of the WRN protein (p.Glu207Gln). The frequency data for this variant in the population databases is considered unreliable, as metrics indicate poor data quality at this position in the gnomAD database. This variant has not been reported in the literature in individuals affected with WRN-related conditions. ClinVar contains an entry for this variant (Variation ID: 569737). An algorithm developed to predict the effect of missense changes on protein structure and function (PolyPhen-2) suggests that this variant is likely to be disruptive. In summary, the available evidence is currently insufficient to determine the role of this variant in disease. Therefore, it has been classified as a Variant of Uncertain Significance.

Ambry Genetics
Classification: Uncertain significance for Inborn genetic diseases. Last evaluated: 2024-12-11. Review status: criteria provided, single submitter. Criteria: Ambry Variant Classification Scheme 2023. Collection method: clinical testing. Allele origin: germline.

NM_000553.6(WRN):c.619G>C (p.Glu207Gln)

Gene: WRN (WRN RecQ like helicase; plus strand). Cytogenetic location: 8p12.
Variant type: single nucleotide variant.
Coding change: c.619G>C on transcript NM_000553.6 (MANE Select); coding-DNA position 619, G replaced by C.
Protein change: p.Glu207Gln; replaces glutamic acid 207 with glutamine.
Molecular consequence: missense variant.
Genome position (GRCh38, 1-based): chr8:31,067,147, G>C. VCF-style: chr8-31067147-G-C. GRCh37 (hg19) VCF-style: chr8-30924663-G-C.
Other names: short protein forms E207Q.
Identifiers: ClinVar variation 569737 (VCV000569737.9), dbSNP rs777311042, ClinGen allele CA4704112.